The following is an entry in ClinVar:

NM_024915.4(GRHL2):c.850G>A (p.Gly284Arg)

Gene: GRHL2 (grainyhead like transcription factor 2; plus strand). Cytogenetic location: 8q22.3.
Variant type: single nucleotide variant.
Coding change: c.850G>A on transcript NM_024915.4 (MANE Select); coding-DNA position 850, G replaced by A.
Protein change: p.Gly284Arg; replaces glycine 284 with arginine.
Molecular consequence: missense variant.
Genome position (GRCh38, 1-based): chr8:101,573,783, G>A. VCF-style: chr8-101573783-G-A. GRCh37 (hg19) VCF-style: chr8-102586011-G-A.
Other names: c.802G>A, p.Gly268Arg (NM_001330593.2, NM_001440448.1); c.850G>A, p.Gly284Arg (NM_001440447.1); short protein forms G284R, G268R.
Identifiers: ClinVar variation 4088162 (VCV004088162.1).

ClinVar aggregate classification (germline): Uncertain significance (1 of 4 stars; one submission).

gnomAD v4.1: 21 of 1,614,024 alleles (0.0013%); highest among the groups gnomAD compares: South Asian, 0.012%; no homozygotes.

Submission:

GeneDx
Classification: Uncertain significance. Last evaluated: 2025-03-20. Review status: criteria provided, single submitter. Criteria: GeneDx Variant Classification Process June 2021. Collection method: clinical testing. Allele origin: germline. Affected: yes.
Comment: In silico analysis supports that this missense variant has a deleterious effect on protein structure/function; Has not been previously published as pathogenic or benign to our knowledge